The following is an entry in ClinVar:

NM_002691.4(POLD1):c.185T>C (p.Leu62Pro)

Gene: POLD1 (DNA polymerase delta 1, catalytic subunit; plus strand). Cytogenetic location: 19q13.33.
Variant type: single nucleotide variant.
Coding change: c.185T>C on transcript NM_002691.4 (MANE Select); coding-DNA position 185, T replaced by C.
Protein change: p.Leu62Pro; replaces leucine 62 with proline.
Molecular consequence: missense variant. On other transcripts: non-coding transcript variant (1).
Genome position (GRCh38, 1-based): chr19:50,399,036, T>C. VCF-style: chr19-50399036-T-C. GRCh37 (hg19) VCF-style: chr19-50902293-T-C.
Other names: c.185T>C, p.Leu62Pro (NM_001256849.1, NM_001308632.1); short protein forms L62P.
Identifiers: ClinVar variation 853098 (VCV000853098.12), dbSNP rs1224431670, ClinGen allele CA406970333.

ClinVar aggregate classification (germline): Conflicting classifications of pathogenicity. Review status: criteria provided, conflicting classifications (1 of 4 stars). 2 submissions from 2 submitters: Uncertain significance (1); Likely benign (1). Last evaluated 2025-10-06.

Conditions:
POLD1-related polyposis and colorectal cancer syndrome (CRCS10). Also called: Colorectal cancer 10; COLORECTAL CANCER, SUSCEPTIBILITY TO, ON CHROMOSOME 19q; Colorectal cancer, susceptibility to, 10. Identifiers: Orphanet 220460, MedGen C2675481, MONDO:0012953, OMIM 612591.
Hereditary cancer-predisposing syndrome. Also called: Tumor predisposition; Hereditary Cancer Syndrome; Hereditary neoplastic syndrome; Neoplastic Syndromes, Hereditary. Identifiers: Orphanet 140162, MedGen C0027672, MeSH D009386, MONDO:0015356.

Allele frequency attached by ClinVar (database versions not stated): gnomAD exomes below 0.00001 and 0.00001.
gnomAD v4.1: 4 of 1,554,668 alleles (0.00026%); highest among the groups gnomAD compares: Non-Finnish European, 0.00035%; no homozygotes.

Submissions (2):

Labcorp Genetics (formerly Invitae), Labcorp
Classification: Uncertain significance for POLD1-related polyposis and colorectal cancer syndrome. Last evaluated: 2025-10-06. Review status: criteria provided, single submitter. Criteria: Invitae Variant Classification Sherloc (09022015). Collection method: clinical testing. Allele origin: germline.
Comment: This sequence change replaces leucine, which is neutral and non-polar, with proline, which is neutral and non-polar, at codon 62 of the POLD1 protein (p.Leu62Pro). The frequency data for this variant in the population databases is considered unreliable, as metrics indicate poor data quality at this position in the gnomAD database. This variant has not been reported in the literature in individuals affected with POLD1-related conditions. ClinVar contains an entry for this variant (Variation ID: 853098). Invitae Evidence Modeling of protein sequence and biophysical properties (such as structural, functional, and spatial information, amino acid conservation, physicochemical variation, residue mobility, and thermodynamic stability) indicates that this missense variant is not expected to disrupt POLD1 protein function with a negative predictive value of 80%. In summary, the available evidence is currently insufficient to determine the role of this variant in disease. Therefore, it has been classified as a Variant of Uncertain Significance.

Ambry Genetics
Classification: Likely benign for Hereditary cancer-predisposing syndrome. Last evaluated: 2024-03-28. Review status: criteria provided, single submitter. Criteria: Ambry Variant Classification Scheme 2023. Collection method: clinical testing. Allele origin: germline.